The following is an entry in ClinVar:

NM_000179.3(MSH6):c.4027T>G (p.Ser1343Ala)

Gene: MSH6 (mutS homolog 6; plus strand). Cytogenetic location: 2p16.3.
Variant type: single nucleotide variant.
Coding change: c.4027T>G on transcript NM_000179.3 (MANE Select); coding-DNA position 4027, T replaced by G.
Protein change: p.Ser1343Ala; replaces serine 1343 with alanine.
Molecular consequence: missense variant.
Genome position (GRCh38, 1-based): chr2:47,806,804, T>G. VCF-style: chr2-47806804-T-G. GRCh37 (hg19) VCF-style: chr2-48033943-T-G.
Other names: c.3637T>G, p.Ser1213Ala (NM_001281492.2); c.3121T>G, p.Ser1041Ala (NM_001281493.2, NM_001281494.2); short protein forms S1041A, S1213A, S1343A.
Identifiers: ClinVar variation 1692264 (VCV001692264.1), dbSNP rs1670214006, ClinGen allele CA346761671.
Genomic context (GRCh38, chr2:47,806,804, plus strand): 5'-AAAAAAACTTTTTTTTTTTTTTTTTTAATTTTAAGGGAAGTTTGCCTGGCTAGTGAAAGG[T>G]CAACTGTAGATGCTGAAGCTGTCCATAAATTGCTGACTTTGATTAAGGAATTATAGACTG-3'
Protein context (NP_000170.1, residues 1333-1353): FREVCLASER[Ser1343Ala]TVDAEAVHKL

ClinVar aggregate classification (germline): Uncertain significance (1 of 4 stars; one submission).

Conditions:
Hereditary cancer-predisposing syndrome. Also called: Hereditary Cancer Syndrome; Hereditary neoplastic syndrome; Neoplastic Syndromes, Hereditary; Tumor predisposition. Identifiers: Orphanet 140162, MedGen C0027672, MeSH D009386, MONDO:0015356.

Submission:

Sema4
Classification: Uncertain significance for Hereditary cancer-predisposing syndrome. Last evaluated: 2021-06-03. Review status: criteria provided, single submitter. Criteria: Sema4 Curation Guidelines. Collection method: curation. Allele origin: germline.
Comment: The MSH6 c.4027T>G (p.S1343A) variant has not been reported in the literature to our knowledge. It was not observed in the large and broad cohorts of the Genome Aggregation Database (PMID: 32461654). The variant has not been reported in ClinVar. In silico tools suggest the impact of the variant on protein function is inconclusive, though these predictions have not been confirmed by functional studies. The evidence is insufficient to meet ACMG/AMP criteria for classifying the variant as benign or pathogenic. Thus, the clinical significance of this variant is currently uncertain.